The following is an entry in ClinVar:

ClinVar aggregate classification (germline): Uncertain significance (1 of 4 stars; one submission).

Conditions:
Cardiovascular phenotype. Identifiers: MedGen CN230736.

Submission:

Ambry Genetics
Classification: Uncertain significance for Cardiovascular phenotype. Last evaluated: 2024-04-19. Review status: criteria provided, single submitter. Criteria: Ambry Variant Classification Scheme 2023. Collection method: clinical testing. Allele origin: germline.
Comment: The p.R3862T variant (also known as c.11585G>C), located in coding exon 2 of the ZNF469 gene, results from a G to C substitution at nucleotide position 11585. The arginine at codon 3862 is replaced by threonine, an amino acid with similar properties. This amino acid position is conserved. In addition, this alteration is predicted to be tolerated by in silico analysis. Based on the available evidence, the clinical significance of this variant remains unclear.

NM_001367624.2(ZNF469):c.11669G>C (p.Arg3890Thr)

Gene: ZNF469 (zinc finger protein 469; plus strand). Cytogenetic location: 16q24.2.
Variant type: single nucleotide variant.
Coding change: c.11669G>C on transcript NM_001367624.2 (MANE Select); coding-DNA position 11669, G replaced by C.
Protein change: p.Arg3890Thr; replaces arginine 3890 with threonine.
Molecular consequence: missense variant.
Genome position (GRCh38, 1-based): chr16:88,439,139, G>C. VCF-style: chr16-88439139-G-C. GRCh37 (hg19) VCF-style: chr16-88505547-G-C.
Other names: NM_001127464.1:c.11585G>C; short protein forms R3890T.
Identifiers: ClinVar variation 3258244 (VCV003258244.1).
Genomic context (GRCh38, chr16:88,439,139, plus strand): 5'-CCAGGCCGCCACCATCAGAGCAGCGGAAGGCAGAGCCGGGCCACACACAGAGGAAGGACA[G>C]ACTGGGCAAGGCCTTCCCCCAGGGGAGACCCCTGCTCAGGCCCCCCAAGAGGGGCACAGC-3'
Protein context (NP_001354553.1, residues 3880-3900): AEPGHTQRKD[Arg3890Thr]LGKAFPQGRP